The following is an entry in ClinVar:

ClinVar aggregate classification (germline): Likely pathogenic (1 of 4 stars; one submission).

Conditions:
Neurofibromatosis, type 1 (NF1). Also called: NEUROFIBROMATOSIS, TYPE I, SOMATIC; Neurofibromatosis, type I; VON RECKLINGHAUSEN DISEASE; Peripheral type neurofibromatosis. Identifiers: Orphanet 636, MedGen C0027831, MONDO:0018975, OMIM 162200. Disease mechanism: loss of function.

Submission:

Labcorp Genetics (formerly Invitae), Labcorp
Classification: Likely pathogenic for Neurofibromatosis, type 1. Last evaluated: 2020-12-23. Review status: criteria provided, single submitter. Criteria: Invitae Variant Classification Sherloc (09022015). Collection method: clinical testing. Allele origin: germline.
Comment: In summary, the currently available evidence indicates that the variant is pathogenic, but additional data are needed to prove that conclusively. Therefore, this variant has been classified as Likely Pathogenic. This variant has not been reported in the literature in individuals with NF1-related conditions. This variant results in the deletion of exon(s) 23-27 and part of exon 22 (c.2975_3709-768del) of the NF1 gene. It is expected to disrupt RNA splicing. Variants that disrupt the donor or acceptor splice site typically lead to a loss of protein function (PMID: 16199547), and loss-of-function variants in NF1 are known to be pathogenic (PMID: 10712197, 23913538).

Literature cited by the submitters: PubMed 16199547; PubMed 10712197; PubMed 23913538.

NC_000017.10:g.(?_29556977)_(29561861_?)del

Gene: NF1 (neurofibromin 1; plus strand). Cytogenetic location: 17q11.2.
Variant type: Deletion.
Identifiers: ClinVar variation 1495086 (VCV001495086.4).